The following is an entry in ClinVar:

NM_000051.4(ATM):c.176C>T (p.Ala59Val)

Gene: ATM (ATM serine/threonine kinase; plus strand). Cytogenetic location: 11q22.3.
Variant type: single nucleotide variant.
Coding change: c.176C>T on transcript NM_000051.4 (MANE Select); coding-DNA position 176, C replaced by T.
Protein change: p.Ala59Val; replaces alanine 59 with valine.
Molecular consequence: missense variant.
Genome position (GRCh38, 1-based): chr11:108,227,879, C>T. VCF-style: chr11-108227879-C-T. GRCh37 (hg19) VCF-style: chr11-108098606-C-T.
Other names: c.176C>T, p.Ala59Val (NM_001351834.2, NM_001351835.2, NM_001351836.2); short protein forms A59V.
Identifiers: ClinVar variation 231496 (VCV000231496.14), dbSNP rs760880388, ClinGen allele CA6264519.

ClinVar aggregate classification (germline): Uncertain significance. Review status: criteria provided, multiple submitters, no conflicts (2 of 4 stars). 3 submissions from 3 submitters: Uncertain significance (2). 1 of the submissions does not count toward it. Last evaluated 2023-06-02.

Conditions:
Hereditary cancer-predisposing syndrome. Also called: Hereditary Cancer Syndrome; Neoplastic Syndromes, Hereditary; Tumor predisposition; Hereditary neoplastic syndrome. Identifiers: Orphanet 140162, MedGen C0027672, MeSH D009386, MONDO:0015356.
Ataxia-telangiectasia syndrome (AT). Also called: Ataxia telangiectasia (A-T); Ataxia-telangiectasia, complementation group E; LOUIS-BAR SYNDROME; Cerebello-oculocutaneous telangiectasia; Immunodeficiency with ataxia telangiectasia; Ataxia-telangiectasia, complementation group D. Identifiers: Orphanet 100, MedGen C0004135, MONDO:0008840, OMIM 208900.

Allele frequency attached by ClinVar (database versions not stated): gnomAD exomes below 0.00001; ExAC 0.00001.
gnomAD v4.1: 1 of 1,610,352 alleles (0.000062%); highest among the groups gnomAD compares: Non-Finnish European, 0.000085%; no homozygotes.

Submissions (3):

Labcorp Genetics (formerly Invitae), Labcorp
Classification: Uncertain significance for Ataxia-telangiectasia syndrome. Last evaluated: 2023-06-02. Review status: criteria provided, single submitter. Criteria: Invitae Variant Classification Sherloc (09022015). Collection method: clinical testing. Allele origin: germline.
Comment: This sequence change replaces alanine, which is neutral and non-polar, with valine, which is neutral and non-polar, at codon 59 of the ATM protein (p.Ala59Val). This variant is not present in population databases (gnomAD no frequency). This variant has not been reported in the literature in individuals affected with ATM-related conditions. ClinVar contains an entry for this variant (Variation ID: 231496). Advanced modeling of protein sequence and biophysical properties (such as structural, functional, and spatial information, amino acid conservation, physicochemical variation, residue mobility, and thermodynamic stability) performed at Invitae indicates that this missense variant is not expected to disrupt ATM protein function. In summary, the available evidence is currently insufficient to determine the role of this variant in disease. Therefore, it has been classified as a Variant of Uncertain Significance.

Ambry Genetics
Classification: Uncertain significance for Hereditary cancer-predisposing syndrome. Last evaluated: 2015-04-24. Review status: criteria provided, single submitter. Criteria: Ambry Variant Classification Scheme 2023. Collection method: clinical testing. Allele origin: germline.
Comment: The p.A59V variant (also known as c.176C>T), located in coding exon 2 of the ATM gene, results from a C to T substitution at nucleotide position 176. The alanine at codon 59 is replaced by valine, an amino acid with similar properties. This variant was not reported in population based cohorts in the following databases: Database of Single Nucleotide Polymorphisms (dbSNP), NHLBI Exome Sequencing Project (ESP), and 1000 Genomes Project. In the ESP, this variant was not observed in 6496 samples (12992 alleles) with coverage at this position. To date, this alteration has been detected with an allele frequency of approximately 0.002% (greater than 66000 alleles tested) in our clinical cohort. This amino acid position is highly conserved through mammals. In addition, this alteration is predicted to be tolerated by in silico analysis. Since supporting evidence is limited at this time, the clinical significance of p.A59V remains unclear.

Natera, Inc.
Classification: Uncertain significance for Ataxia-telangiectasia. Last evaluated: 2021-02-22. Review status: no assertion criteria provided. Collection method: clinical testing. Allele origin: germline. Not counted in ClinVar's aggregate classification.